The following is an entry in ClinVar:

ClinVar aggregate classification (germline): Benign. Review status: criteria provided, multiple submitters, no conflicts (2 of 4 stars). 3 submissions from 3 submitters: Benign (3). Last evaluated 2018-06-24.

Conditions:
Autosomal recessive nonsyndromic hearing loss 25. Identifiers: Orphanet 90636, MedGen C1414017, MONDO:0013210, OMIM 613285.

Allele frequency attached by ClinVar (database versions not stated): gnomAD 0.45974 and 0.46711; TOPMed 0.46238; gnomAD exomes 0.48371; 1000 Genomes Project 30x 0.53045; 1000 Genomes Project 0.53614.
gnomAD v4.1: 647,495 of 1,344,166 alleles (48%); highest among the groups gnomAD compares: East Asian, 79%; 158,756 homozygotes.

Submissions (3):

GeneDx
Classification: Benign. Last evaluated: 2018-06-24. Review status: criteria provided, single submitter. Criteria: GeneDx Variant Classification Process June 2021. Collection method: clinical testing. Allele origin: germline. Affected: yes.

Illumina Laboratory Services, Illumina
Classification: Benign for Autosomal recessive nonsyndromic hearing loss 25. Last evaluated: 2018-01-12. Review status: criteria provided, single submitter. Criteria: ICSL Variant Classification Criteria 13 December 2019. Collection method: clinical testing. Allele origin: germline.
Comment: This variant was observed in the ICSL laboratory as part of a predisposition screen in an ostensibly healthy population. It had not been previously curated by ICSL or reported in the Human Gene Mutation Database (HGMD: prior to June 1st, 2018), and was therefore a candidate for classification through an automated scoring system. Utilizing variant allele frequency, disease prevalence and penetrance estimates, and inheritance mode, an automated score was calculated to assess if this variant is too frequent to cause the disease. Based on the score and internal cut-off values, a variant classified as benign is not then subjected to further curation. The score for this variant resulted in a classification of benign for this disease.

Breakthrough Genomics
Classification: Benign. Review status: criteria provided, single submitter. Criteria: ACMG Guidelines, 2015. Collection method: not provided. Allele origin: germline. Inheritance: Autosomal recessive inheritance. Affected: yes.

NM_001080476.3(GRXCR1):c.*55G>A

Gene: GRXCR1 (glutaredoxin and cysteine rich domain containing 1; plus strand). Cytogenetic location: 4p13.
Variant type: single nucleotide variant.
Coding change: c.*55G>A on transcript NM_001080476.3 (MANE Select); 55 bases downstream of the stop codon, G replaced by A.
Molecular consequence: 3 prime UTR variant.
Genome position (GRCh38, 1-based): chr4:43,030,595, G>A. VCF-style: chr4-43030595-G-A. GRCh37 (hg19) VCF-style: chr4-43032612-G-A.
Identifiers: ClinVar variation 348826 (VCV000348826.8), dbSNP rs4861050, ClinGen allele CA10621112.